The following is an entry in ClinVar:

NM_000501.4(ELN):c.166del (p.Leu56fs)

Gene: ELN (elastin; plus strand). Cytogenetic location: 7q11.23.
Variant type: Deletion.
Coding change: c.166del on transcript NM_000501.4 (MANE Select); coding-DNA position 166, one base deleted (C; older notation c.166delC).
Protein change: p.Leu56fs; shifts the reading frame from leucine 56.
Molecular consequence: frameshift variant.
Genome position (GRCh38, 1-based): chr7:74,037,709, C deleted. VCF-style (leftmost placement, unchanged base first): chr7-74037708-GC-G. GRCh37 (hg19) VCF-style: chr7-73452038-GC-G.
Other names: c.136del, p.Leu46fs (NM_001081752.3, NM_001278914.2, NM_001278917.2 and 1 more transcripts); c.166del, p.Leu56fs (NM_001081753.3, NM_001081754.3, NM_001081755.3 and 5 more transcripts); short protein forms L56fs, L46fs.
Identifiers: ClinVar variation 1458249 (VCV001458249.7), dbSNP rs2131266202, ClinGen allele CA2573142330.

ClinVar aggregate classification (germline): Pathogenic/Likely pathogenic. Review status: criteria provided, multiple submitters, no conflicts (2 of 4 stars). 2 submissions from 2 submitters: Pathogenic (1); Likely pathogenic (1). Last evaluated 2024-03-23.

Conditions:
Williams syndrome (WBS). Also called: WILLIAMS-BEUREN SYNDROME; CHROMOSOME 7q11.23 DELETION SYNDROME, 1.5- TO 1.8-MB. Identifiers: Orphanet 904, MedGen C0175702, MONDO:0008678, OMIM 194050. Disease mechanism: loss of function.
Cutis laxa, autosomal dominant 1 (ADCL1). Also called: ELN-Related Cutis Laxa. Identifiers: Orphanet 90348, MedGen C3276539, MONDO:0007411, OMIM 123700. Disease mechanism: Dominant Negative.
Supravalvar aortic stenosis (SVAS). Also called: Supravalvar aortic stenosis, Eisenberg type. Identifiers: Orphanet 3193, MedGen C0003499, MONDO:0008504, OMIM 185500, HP:0004381.

Submissions (2):

Labcorp Genetics (formerly Invitae), Labcorp
Classification: Pathogenic for Supravalvar aortic stenosis. Last evaluated: 2024-03-23. Review status: criteria provided, single submitter. Criteria: Invitae Variant Classification Sherloc (09022015). Collection method: clinical testing. Allele origin: germline.
Comment: This sequence change creates a premature translational stop signal (p.Leu56Trpfs*66) in the ELN gene. It is expected to result in an absent or disrupted protein product. Loss-of-function variants in ELN are known to be pathogenic (PMID: 11175284). This variant is not present in population databases (gnomAD no frequency). This variant has not been reported in the literature in individuals affected with ELN-related conditions. ClinVar contains an entry for this variant (Variation ID: 1458249). For these reasons, this variant has been classified as Pathogenic.

Fulgent Genetics
Classification: Likely pathogenic for Cutis laxa, autosomal dominant 1; Supravalvar aortic stenosis; Williams syndrome. Last evaluated: 2022-02-22. Review status: criteria provided, single submitter. Criteria: ACMG Guidelines, 2015. Collection method: clinical testing. Allele origin: unknown.

Literature cited by the submitters: PubMed 11175284 (cited by Labcorp Genetics (formerly Invitae), Labcorp).